The following is an entry in ClinVar:

NM_001130823.3(DNMT1):c.1044-8T>C

Gene: DNMT1 (DNA methyltransferase 1; minus strand). Cytogenetic location: 19p13.2.
Variant type: single nucleotide variant.
Coding change: c.1044-8T>C on transcript NM_001130823.3 (MANE Select); 8 bases into the intron before coding-DNA position 1044, T replaced by C.
Molecular consequence: intron variant.
Genome position (GRCh38, 1-based): chr19:10,160,071, A>G on the plus strand (T>C on the coding strand, the complement: DNMT1 is on the minus strand). VCF-style: chr19-10160071-A-G. GRCh37 (hg19) VCF-style: chr19-10270747-A-G.
Other names: c.1044-8T>C (NM_001130823.2); c.681-8T>C (NM_001318731.2); c.996-8T>C (NM_001379.4, NM_001318730.2).
Identifiers: ClinVar variation 1668141 (VCV001668141.11), dbSNP rs146876823, ClinGen allele CA9188421.

ClinVar aggregate classification (germline): Likely benign. Review status: criteria provided, multiple submitters, no conflicts (2 of 4 stars). 3 submissions from 3 submitters: Likely benign (2). 1 of the submissions does not count toward it. Last evaluated 2025-01-12.

Conditions:
Hereditary sensory neuropathy-deafness-dementia syndrome. Also called: Hereditary sensory neuropathy type IE; HSN IE; Hereditary Sensory and Autonomic Neuropathy Type 1E (HSAN1E); NEUROPATHY, HEREDITARY SENSORY, WITH HEARING LOSS AND DEMENTIA. Identifiers: Orphanet 456318, MedGen C3279885, MONDO:0013584, OMIM 614116.
DNMT1-related disorder. Also called: DNMT1-related condition. Identifiers: MedGen CN381527.

Allele frequency attached by ClinVar (database versions not stated): gnomAD 0.00039 and 0.00056; gnomAD exomes 0.00098; ExAC 0.00464; 1000 Genomes Project 0.03534.
gnomAD v4.1: 64 of 72,358 alleles (0.088%); highest among the groups gnomAD compares: African/African-American, 2.5%; no homozygotes.

Submissions (3):

Labcorp Genetics (formerly Invitae), Labcorp
Classification: Likely benign for Hereditary sensory neuropathy-deafness-dementia syndrome. Last evaluated: 2025-01-12. Review status: criteria provided, single submitter. Criteria: Invitae Variant Classification Sherloc (09022015). Collection method: clinical testing. Allele origin: germline.

Blueprint Genetics
Classification: Likely benign. Last evaluated: 2023-04-26. Review status: criteria provided, single submitter. Criteria: ACMG Guidelines, 2015. Collection method: clinical testing. Allele origin: germline.

PreventionGenetics, part of Exact Sciences
Classification: Likely benign for DNMT1-related condition. Last evaluated: 2019-08-12. Review status: no assertion criteria provided. Collection method: clinical testing. Allele origin: germline. Not counted in ClinVar's aggregate classification.
Comment: This variant is classified as likely benign based on ACMG/AMP sequence variant interpretation guidelines (Richards et al. 2015 PMID: 25741868, with internal and published modifications).